The following is an entry in ClinVar:

NM_020928.2(ZSWIM6):c.498_506del (p.Thr167_Ala169del)

Gene: ZSWIM6 (zinc finger SWIM-type containing 6; plus strand). Cytogenetic location: 5q12.1.
Variant type: Deletion.
Coding change: c.498_506del on transcript NM_020928.2 (MANE Select); coding-DNA positions 498 to 506, 9 bases deleted (AACCTCGGC; older notation c.498_506delAACCTCGGC).
Protein change: p.Thr167_Ala169del.
Molecular consequence: inframe deletion.
Genome position (GRCh38, 1-based): chr5:61,332,770-61,332,778, AACCTCGGC deleted; deleting any 9 consecutive bases within chr5:61,332,768-61,332,778 gives the same sequence; the c. name uses the placement nearest the transcript's 3' end. VCF-style (leftmost placement, unchanged base first): chr5-61332767-CGCAACCTCG-C. GRCh37 (hg19) VCF-style: chr5-60628594-CGCAACCTCG-C.
Other names: c.498_506del9 (NM_020928.1); c.498_506delAACCTCGGC (NM_020928.1).
Identifiers: ClinVar variation 1631280 (VCV001631280.11), dbSNP rs1205042180, ClinGen allele CA560299891.

ClinVar aggregate classification (germline): Benign/Likely benign. Review status: criteria provided, multiple submitters, no conflicts (2 of 4 stars). 3 submissions from 3 submitters: Benign (1); Likely benign (1). 1 of the submissions does not count toward it. Last evaluated 2024-11-11.

Conditions:
Inborn genetic diseases. Identifiers: MedGen C0950123, MeSH D030342.
ZSWIM6-related disorder. Also called: ZSWIM6-related condition.

Submissions (3):

Labcorp Genetics (formerly Invitae), Labcorp
Classification: Likely benign. Last evaluated: 2024-11-11. Review status: criteria provided, single submitter. Criteria: Invitae Variant Classification Sherloc (09022015). Collection method: clinical testing. Allele origin: germline.

Ambry Genetics
Classification: Benign for Inborn genetic diseases. Last evaluated: 2022-10-13. Review status: criteria provided, single submitter. Criteria: Ambry Variant Classification Scheme 2023. Collection method: clinical testing. Allele origin: germline.

PreventionGenetics, part of Exact Sciences
Classification: Likely benign for ZSWIM6-related condition. Last evaluated: 2021-04-21. Review status: no assertion criteria provided. Collection method: clinical testing. Allele origin: germline. Not counted in ClinVar's aggregate classification.
Comment: This variant is classified as likely benign based on ACMG/AMP sequence variant interpretation guidelines (Richards et al. 2015 PMID: 25741868, with internal and published modifications).